The following is an entry in ClinVar:

NM_022489.4(INF2):c.1859C>T (p.Ala620Val)

Gene: INF2 (inverted formin 2; plus strand). Cytogenetic location: 14q32.33.
Variant type: single nucleotide variant.
Coding change: c.1859C>T on transcript NM_022489.4 (MANE Select); coding-DNA position 1859, C replaced by T.
Protein change: p.Ala620Val; replaces alanine 620 with valine.
Molecular consequence: missense variant.
Genome position (GRCh38, 1-based): chr14:104,708,559, C>T. VCF-style: chr14-104708559-C-T. GRCh37 (hg19) VCF-style: chr14-105174896-C-T.
Other names: c.1859C>T, p.Ala620Val (NM_001031714.4); short protein forms A620V.
Identifiers: ClinVar variation 1998109 (VCV001998109.4), dbSNP rs2541925714, ClinGen allele CA391218825.

ClinVar aggregate classification (germline): Uncertain significance (1 of 4 stars; one submission).

Conditions:
Focal segmental glomerulosclerosis 5 (FSGS5). Identifiers: Orphanet 656, MedGen C2750475, MONDO:0013191, OMIM 613237.
Charcot-Marie-Tooth disease dominant intermediate E. Also called: CHARCOT-MARIE-TOOTH NEUROPATHY WITH FOCAL SEGMENTAL GLOMERULONEPHRITIS. Identifiers: Orphanet 93114, MedGen C4302667, MONDO:0013758, OMIM 614455.

Submission:

Labcorp Genetics (formerly Invitae), Labcorp
Classification: Uncertain significance for Charcot-Marie-Tooth disease dominant intermediate E; Focal segmental glomerulosclerosis 5. Last evaluated: 2023-08-01. Review status: criteria provided, single submitter. Criteria: Invitae Variant Classification Sherloc (09022015). Collection method: clinical testing. Allele origin: germline.
Comment: This sequence change replaces alanine, which is neutral and non-polar, with valine, which is neutral and non-polar, at codon 620 of the INF2 protein (p.Ala620Val). This variant is not present in population databases (gnomAD no frequency). This variant has not been reported in the literature in individuals affected with INF2-related conditions. ClinVar contains an entry for this variant (Variation ID: 1998109). Advanced modeling of protein sequence and biophysical properties (such as structural, functional, and spatial information, amino acid conservation, physicochemical variation, residue mobility, and thermodynamic stability) performed at Invitae indicates that this missense variant is not expected to disrupt INF2 protein function. In summary, the available evidence is currently insufficient to determine the role of this variant in disease. Therefore, it has been classified as a Variant of Uncertain Significance.